The following is an entry in ClinVar:

ClinVar aggregate classification (germline): Uncertain significance. Review status: criteria provided, multiple submitters, no conflicts (2 of 4 stars). 2 submissions from 2 submitters: Uncertain significance (2). Last evaluated 2026-04-23.

Conditions:
Hereditary cancer-predisposing syndrome. Also called: Neoplastic Syndromes, Hereditary; Tumor predisposition; Hereditary Cancer Syndrome; Hereditary neoplastic syndrome. Identifiers: Orphanet 140162, MedGen C0027672, MeSH D009386, MONDO:0015356.

Submissions (2):

Ambry Genetics
Classification: Uncertain significance for Hereditary cancer-predisposing syndrome. Last evaluated: 2026-04-23. Review status: criteria provided, single submitter. Criteria: Ambry Variant Classification Scheme 2023. Collection method: clinical testing. Allele origin: germline.
Comment: The p.V383L variant (also known as c.1147G>C), located in coding exon 8 of the FH gene, results from a G to C substitution at nucleotide position 1147. The valine at codon 383 is replaced by leucine, an amino acid with highly similar properties. This amino acid position is highly conserved in available vertebrate species. In addition, this alteration is predicted to be deleterious by in silico analysis. Based on the available evidence, the clinical significance of this variant remains unclear.

Labcorp Genetics (formerly Invitae), Labcorp
Classification: Uncertain significance. Last evaluated: 2021-07-28. Review status: criteria provided, single submitter. Criteria: Invitae Variant Classification Sherloc (09022015). Collection method: clinical testing. Allele origin: germline.
Comment: In summary, the available evidence is currently insufficient to determine the role of this variant in disease. Therefore, it has been classified as a Variant of Uncertain Significance. Advanced modeling of protein sequence and biophysical properties (such as structural, functional, and spatial information, amino acid conservation, physicochemical variation, residue mobility, and thermodynamic stability) performed at Invitae indicates that this missense variant is expected to disrupt FH protein function. This variant has not been reported in the literature in individuals affected with FH-related conditions. This variant is not present in population databases (ExAC no frequency). This sequence change replaces valine with leucine at codon 383 of the FH protein (p.Val383Leu). The valine residue is highly conserved and there is a small physicochemical difference between valine and leucine.

NM_000143.4(FH):c.1147G>C (p.Val383Leu)

Gene: FH (fumarate hydratase; minus strand). Cytogenetic location: 1q43.
Variant type: single nucleotide variant.
Coding change: c.1147G>C on transcript NM_000143.4 (MANE Select); coding-DNA position 1147, G replaced by C.
Protein change: p.Val383Leu; replaces valine 383 with leucine.
Molecular consequence: missense variant.
Genome position (GRCh38, 1-based): chr1:241,502,532, C>G on the plus strand (G>C on the coding strand, the complement: FH is on the minus strand). VCF-style: chr1-241502532-C-G. GRCh37 (hg19) VCF-style: chr1-241665832-C-G.
Other names: c.1147G>C (NM_000143.3); short protein forms V383L.
Identifiers: ClinVar variation 1370615 (VCV001370615.8), dbSNP rs2147914983, ClinGen allele CA345437515.